The following is an entry in ClinVar:

ClinVar aggregate classification (germline): Uncertain significance (1 of 4 stars; one submission).

Conditions:
Familial hemophagocytic lymphohistiocytosis 3 (FHL3). Also called: UNC13D-Related Familial Hemophagocytic Lymphohistiocytosis (UNC13D-fHLH). Identifiers: Orphanet 540, MedGen C1837174, MONDO:0012146, OMIM 608898.

Submission:

Labcorp Genetics (formerly Invitae), Labcorp
Classification: Uncertain significance for Familial hemophagocytic lymphohistiocytosis 3. Last evaluated: 2022-03-23. Review status: criteria provided, single submitter. Criteria: Invitae Variant Classification Sherloc (09022015). Collection method: clinical testing. Allele origin: germline.
Comment: This variant has not been reported in the literature in individuals affected with UNC13D-related conditions. This variant is not present in population databases (gnomAD no frequency). This sequence change replaces histidine, which is basic and polar, with glutamine, which is neutral and polar, at codon 96 of the UNC13D protein (p.His96Gln). Algorithms developed to predict the effect of missense changes on protein structure and function are either unavailable or do not agree on the potential impact of this missense change (SIFT: "Not Available"; PolyPhen-2: "Probably Damaging"; Align-GVGD: "Not Available"). In summary, the available evidence is currently insufficient to determine the role of this variant in disease. Therefore, it has been classified as a Variant of Uncertain Significance.

NM_199242.3(UNC13D):c.288C>G (p.His96Gln)

Gene: UNC13D (unc-13 homolog D; minus strand). Cytogenetic location: 17q25.1.
Variant type: single nucleotide variant.
Coding change: c.288C>G on transcript NM_199242.3 (MANE Select); coding-DNA position 288, C replaced by G.
Protein change: p.His96Gln; replaces histidine 96 with glutamine.
Molecular consequence: missense variant.
Genome position (GRCh38, 1-based): chr17:75,843,047, G>C on the plus strand (C>G on the coding strand, the complement: UNC13D is on the minus strand). VCF-style: chr17-75843047-G-C. GRCh37 (hg19) VCF-style: chr17-73839128-G-C.
Other names: short protein forms H96Q.
Identifiers: ClinVar variation 2116136 (VCV002116136.4), dbSNP rs2545987898, ClinGen allele CA401116053.
Genomic context (GRCh38, chr17:75,843,047, plus strand): 5'-CCCAGGGGGACCCTGGCCCCAGGTTACCTCAAGCTCCCTGACCCGCTGCAGTGTCTGCTG[G>C]TGCTCCTCGGGCTCCACGTGGAAGGCCTGGTGGGGAGGCAGGCGGGTGGGTGGCTGGGGG-3'
Protein context (NP_954712.1, residues 86-106): QEAFHVEPEE[His96Gln]QQTLQRVREL